The following is an entry in ClinVar:

ClinVar aggregate classification (germline): Uncertain significance. Review status: criteria provided, multiple submitters, no conflicts (2 of 4 stars). 3 submissions from 3 submitters: Uncertain significance (3). Last evaluated 2024-04-17.

Conditions:
Inborn genetic diseases. Identifiers: MedGen C0950123, MeSH D030342.

Allele frequency attached by ClinVar (database versions not stated): gnomAD exomes 0.00002.
gnomAD v4.1: 9 of 1,614,224 alleles (0.00056%); highest among the groups gnomAD compares: Non-Finnish European, 0.00076%; no homozygotes.

Submissions (3):

Labcorp Genetics (formerly Invitae), Labcorp
Classification: Uncertain significance. Last evaluated: 2024-04-17. Review status: criteria provided, single submitter. Criteria: Invitae Variant Classification Sherloc (09022015). Collection method: clinical testing. Allele origin: germline.
Comment: This sequence change replaces serine, which is neutral and polar, with asparagine, which is neutral and polar, at codon 183 of the MRAS protein (p.Ser183Asn). This variant is present in population databases (rs562054267, gnomAD 0.004%). This variant has not been reported in the literature in individuals affected with MRAS-related conditions. ClinVar contains an entry for this variant (Variation ID: 981089). Algorithms developed to predict the effect of missense changes on protein structure and function output the following: SIFT: "Not Available"; PolyPhen-2: "Benign"; Align-GVGD: "Not Available". The asparagine amino acid residue is found in multiple mammalian species, which suggests that this missense change does not adversely affect protein function. In summary, the available evidence is currently insufficient to determine the role of this variant in disease. Therefore, it has been classified as a Variant of Uncertain Significance.

Ambry Genetics
Classification: Uncertain significance for Inborn genetic diseases. Last evaluated: 2023-06-29. Review status: criteria provided, single submitter. Criteria: Ambry Variant Classification Scheme 2023. Collection method: clinical testing. Allele origin: germline.
Comment: The p.S183N variant (also known as c.548G>A), located in coding exon 5 of the MRAS gene, results from a G to A substitution at nucleotide position 548. The serine at codon 183 is replaced by asparagine, an amino acid with highly similar properties. This amino acid position is conserved. In addition, this alteration is predicted to be tolerated by in silico analysis. Since supporting evidence is limited at this time, the clinical significance of this alteration remains unclear.

Women's Health and Genetics/Laboratory Corporation of America, LabCorp
Classification: Uncertain significance. Last evaluated: 2020-09-24. Review status: criteria provided, single submitter. Criteria: LabCorp Variant Classification Summary - May 2015. Collection method: clinical testing. Allele origin: germline.
Comment: Variant summary: MRAS c.548G>A (p.Ser183Asn) results in a conservative amino acid change in the encoded protein sequence. Four of five in-silico tools predict a benign effect of the variant on protein function. The variant allele was found at a frequency of 1.6e-05 in 250628 control chromosomes. The available data on variant occurrences in the general population are insufficient to allow any conclusion about variant significance. To our knowledge, no occurrence of c.548G>A in individuals affected with Noonan Syndrome and no experimental evidence demonstrating its impact on protein function have been reported. No clinical diagnostic laboratories have submitted clinical-significance assessments for this variant to ClinVar after 2014. Based on the evidence outlined above, the variant was classified as uncertain significance.

NM_001085049.3(MRAS):c.548G>A (p.Ser183Asn)

Gene: MRAS (muscle RAS oncogene homolog; plus strand). Cytogenetic location: 3q22.3.
Variant type: single nucleotide variant.
Coding change: c.548G>A on transcript NM_001085049.3 (MANE Select); coding-DNA position 548, G replaced by A.
Protein change: p.Ser183Asn; replaces serine 183 with asparagine.
Molecular consequence: missense variant.
Genome position (GRCh38, 1-based): chr3:138,402,190, G>A. VCF-style: chr3-138402190-G-A. GRCh37 (hg19) VCF-style: chr3-138121032-G-A.
Other names: c.548G>A, p.Ser183Asn (NM_001252090.2, NM_012219.4); c.320G>A, p.Ser107Asn (NM_001252091.1, NM_001252092.2, NM_001252093.2); c.548G>A (NM_012219.3); short protein forms S107N, S183N.
Identifiers: ClinVar variation 981089 (VCV000981089.6), dbSNP rs562054267, ClinGen allele CA83907259.